The following is an entry in ClinVar:

Conditions:
Long QT syndrome 5 (LQT5). Identifiers: Orphanet 101016, Orphanet 768, MedGen C1867904, MONDO:0013372, OMIM 613695.

Submission:

Roden Lab, Vanderbilt University Medical Center
No classification provided (evidence only). Condition: Long QT syndrome 5. Review status: no classification provided. Collection method: in vitro. Allele origin: not applicable. Functional consequence: Effect on ion channel function.
ClinVar note: "not provided" was previously submitted as the classification for the variant. However, the classification appeared to be based only on an observation of functional data so it was converted to no classification on 2025-07-30.

NM_000219.6(KCNE1):c.224A>T (p.Asn75Ile)

Gene: KCNE1 (potassium voltage-gated channel subfamily E regulatory subunit 1; minus strand). Cytogenetic location: 21q22.12.
Variant type: single nucleotide variant.
Coding change: c.224A>T on transcript NM_000219.6 (MANE Select); coding-DNA position 224, A replaced by T.
Protein change: p.Asn75Ile; replaces asparagine 75 with isoleucine.
Molecular consequence: missense variant.
Genome position (GRCh38, 1-based): chr21:34,449,411, T>A on the plus strand (A>T on the coding strand, the complement: KCNE1 is on the minus strand). VCF-style: chr21-34449411-T-A. GRCh37 (hg19) VCF-style: chr21-35821709-T-A.
Other names: c.224A>T, p.Asn75Ile (NM_001127668.4, NM_001127669.4, NM_001127670.4 and 4 more transcripts); short protein forms N75I.
Identifiers: ClinVar variation 3374369 (VCV003374369.2).